The following is an entry in ClinVar:

NM_001942.4(DSG1):c.1231G>A (p.Asp411Asn)

Gene: DSG1 (desmoglein 1; plus strand). Cytogenetic location: 18q12.1.
Variant type: single nucleotide variant.
Coding change: c.1231G>A on transcript NM_001942.4 (MANE Select); coding-DNA position 1231, G replaced by A.
Protein change: p.Asp411Asn; replaces aspartic acid 411 with asparagine.
Molecular consequence: missense variant.
Genome position (GRCh38, 1-based): chr18:31,336,579, G>A. VCF-style: chr18-31336579-G-A. GRCh37 (hg19) VCF-style: chr18-28916542-G-A.
Other names: short protein forms D411N.
Identifiers: ClinVar variation 2101660 (VCV002101660.4), dbSNP rs1299001495, ClinGen allele CA402134367.

ClinVar aggregate classification (germline): Uncertain significance (1 of 4 stars; one submission).

gnomAD v4.1: 2 of 1,614,016 alleles (0.00012%); highest among the groups gnomAD compares: Admixed American, 0.0017%; no homozygotes.

Submission:

Labcorp Genetics (formerly Invitae), Labcorp
Classification: Uncertain significance. Last evaluated: 2022-09-02. Review status: criteria provided, single submitter. Criteria: Invitae Variant Classification Sherloc (09022015). Collection method: clinical testing. Allele origin: germline.
Comment: This sequence change replaces aspartic acid, which is acidic and polar, with asparagine, which is neutral and polar, at codon 411 of the DSG1 protein (p.Asp411Asn). This variant is present in population databases (no rsID available, gnomAD 0.003%). This variant has not been reported in the literature in individuals affected with DSG1-related conditions. In summary, the available evidence is currently insufficient to determine the role of this variant in disease. Therefore, it has been classified as a Variant of Uncertain Significance. Algorithms developed to predict the effect of missense changes on protein structure and function are either unavailable or do not agree on the potential impact of this missense change (SIFT: "Deleterious"; PolyPhen-2: "Probably Damaging"; Align-GVGD: "Class C15").